The following is an entry in ClinVar:

NM_000497.4(CYP11B1):c.1330G>T (p.Gly444Cys)

Genes: CYP11B1 (cytochrome P450 family 11 subfamily B member 1; minus strand), LOC106799833 (CYP11B1 recombination region; plus strand). Cytogenetic location: 8q24.3.
Variant type: single nucleotide variant.
Coding change: c.1330G>T on transcript NM_000497.4 (MANE Select); coding-DNA position 1330, G replaced by T.
Protein change: p.Gly444Cys; replaces glycine 444 with cysteine.
Molecular consequence: missense variant. On other transcripts: intron variant (1).
Genome position (GRCh38, 1-based): chr8:142,875,025, C>A on the plus strand (G>T on the coding strand, the complement: CYP11B1 is on the minus strand). VCF-style: chr8-142875025-C-A. GRCh37 (hg19) VCF-style: chr8-143956441-C-A.
Other names: c.1200+209G>T (NM_001026213.1); short protein forms G444C.
Identifiers: ClinVar variation 2779333 (VCV002779333.3), dbSNP rs748447513, ClinGen allele CA4905017.

ClinVar aggregate classification (germline): Likely pathogenic (1 of 4 stars; one submission).

Allele frequency attached by ClinVar (database versions not stated): ExAC 0.00001.
gnomAD v4.1: 10 of 1,614,260 alleles (0.00062%); highest among the groups gnomAD compares: Non-Finnish European, 0.00085%; no homozygotes.

Submission:

Labcorp Genetics (formerly Invitae), Labcorp
Classification: Likely pathogenic. Last evaluated: 2024-01-21. Review status: criteria provided, single submitter. Criteria: Invitae Variant Classification Sherloc (09022015). Collection method: clinical testing. Allele origin: germline.
Comment: This sequence change replaces glycine, which is neutral and non-polar, with cysteine, which is neutral and slightly polar, at codon 444 of the CYP11B1 protein (p.Gly444Cys). This variant is present in population databases (rs748447513, gnomAD 0.0009%). This variant has not been reported in the literature in individuals affected with CYP11B1-related conditions. Advanced modeling of protein sequence and biophysical properties (such as structural, functional, and spatial information, amino acid conservation, physicochemical variation, residue mobility, and thermodynamic stability) performed at Invitae indicates that this missense variant is expected to disrupt CYP11B1 protein function with a positive predictive value of 95%. This variant disrupts the p.Gly444 amino acid residue in CYP11B1. Other variant(s) that disrupt this residue have been determined to be pathogenic (PMID: 15751602, 26053152, 33275286). This suggests that this residue is clinically significant, and that variants that disrupt this residue are likely to be disease-causing. In summary, the currently available evidence indicates that the variant is pathogenic, but additional data are needed to prove that conclusively. Therefore, this variant has been classified as Likely Pathogenic.

Literature cited by the submitters: PubMed 15751602; PubMed 26053152; PubMed 33275286.